The following is an entry in ClinVar:

NM_001267550.2(TTN):c.6973G>A (p.Val2325Ile)

Genes: TTN (titin; minus strand), LOC126806433 (BRD4-independent group 4 enhancer GRCh37_chr2:179638309-179639508; plus strand). Cytogenetic location: 2q31.2.
Variant type: single nucleotide variant.
Coding change: c.6973G>A on transcript NM_001267550.2 (MANE Select); coding-DNA position 6973, G replaced by A.
Protein change: p.Val2325Ile; replaces valine 2325 with isoleucine.
Molecular consequence: missense variant.
Genome position (GRCh38, 1-based): chr2:178,774,291, C>T on the plus strand (G>A on the coding strand, the complement: TTN is on the minus strand). VCF-style: chr2-178774291-C-T. GRCh37 (hg19) VCF-style: chr2-179639018-C-T.
Other names: c.6973G>A, p.Val2325Ile (NM_001256850.1, NM_133378.4, NM_133379.5); c.6835G>A, p.Val2279Ile (NM_003319.4, NM_133432.3, NM_133437.4); short protein forms V2325I, V2279I.
Identifiers: ClinVar variation 1755706 (VCV001755706.2), dbSNP rs2532725223, ClinGen allele CA349681318.

ClinVar aggregate classification (germline): Uncertain significance (1 of 4 stars; one submission).

Conditions:
Cardiovascular phenotype. Identifiers: MedGen CN230736.

Allele frequency attached by ClinVar (database versions not stated): gnomAD exomes below 0.00001.
gnomAD v4.1: 1 of 1,614,072 alleles (0.000062%); highest among the groups gnomAD compares: Non-Finnish European, 0.000085%; no homozygotes.

Submission:

Ambry Genetics
Classification: Uncertain significance for Cardiovascular phenotype. Last evaluated: 2020-03-24. Review status: criteria provided, single submitter. Criteria: Ambry Variant Classification Scheme 2023. Collection method: clinical testing. Allele origin: germline.
Comment: The p.V2279I variant (also known as c.6835G>A), located in coding exon 28 of the TTN gene, results from a G to A substitution at nucleotide position 6835. The valine at codon 2279 is replaced by isoleucine, an amino acid with highly similar properties. This amino acid position is well conserved in available vertebrate species; however, isoleucine is the reference amino acid in other vertebrate species. In addition, this alteration is predicted to be tolerated by in silico analysis. Since supporting evidence is limited at this time, the clinical significance of this alteration remains unclear.